The following is an entry in ClinVar:

NM_001367624.2(ZNF469):c.10889G>T (p.Arg3630Leu)

Gene: ZNF469 (zinc finger protein 469; plus strand). Cytogenetic location: 16q24.2.
Variant type: single nucleotide variant.
Coding change: c.10889G>T on transcript NM_001367624.2 (MANE Select); coding-DNA position 10889, G replaced by T.
Protein change: p.Arg3630Leu; replaces arginine 3630 with leucine.
Molecular consequence: missense variant.
Genome position (GRCh38, 1-based): chr16:88,438,359, G>T. VCF-style: chr16-88438359-G-T. GRCh37 (hg19) VCF-style: chr16-88504767-G-T.
Other names: NM_001127464.1:c.10805G>T; short protein forms R3630L.
Identifiers: ClinVar variation 1786235 (VCV001786235.4), dbSNP rs758123475, ClinGen allele CA397128288.

ClinVar aggregate classification (germline): Uncertain significance. Review status: criteria provided, multiple submitters, no conflicts (2 of 4 stars). 2 submissions from 2 submitters: Uncertain significance (2). Last evaluated 2024-02-03.

Conditions:
Cardiovascular phenotype. Identifiers: MedGen CN230736.

gnomAD v4.1: 1 of 1,550,178 alleles (0.000065%); highest among the groups gnomAD compares: Non-Finnish European, 0.000087%; no homozygotes.

Submissions (2):

Labcorp Genetics (formerly Invitae), Labcorp
Classification: Uncertain significance. Last evaluated: 2024-02-03. Review status: criteria provided, single submitter. Criteria: Invitae Variant Classification Sherloc (09022015). Collection method: clinical testing. Allele origin: germline.
Comment: This sequence change replaces arginine, which is basic and polar, with leucine, which is neutral and non-polar, at codon 3602 of the ZNF469 protein (p.Arg3602Leu). This variant is not present in population databases (gnomAD no frequency). This variant has not been reported in the literature in individuals affected with ZNF469-related conditions. ClinVar contains an entry for this variant (Variation ID: 1786235). An algorithm developed to predict the effect of missense changes on protein structure and function (PolyPhen-2) suggests that this variant is likely to be tolerated. In summary, the available evidence is currently insufficient to determine the role of this variant in disease. Therefore, it has been classified as a Variant of Uncertain Significance.

Ambry Genetics
Classification: Uncertain significance for Cardiovascular phenotype. Last evaluated: 2022-10-23. Review status: criteria provided, single submitter. Criteria: Ambry Variant Classification Scheme 2023. Collection method: clinical testing. Allele origin: germline.
Comment: The p.R3602L variant (also known as c.10805G>T), located in coding exon 2 of the ZNF469 gene, results from a G to T substitution at nucleotide position 10805. The arginine at codon 3602 is replaced by leucine, an amino acid with dissimilar properties. This amino acid position is conserved. In addition, this alteration is predicted to be tolerated by in silico analysis. Since supporting evidence is limited at this time, the clinical significance of this alteration remains unclear.